The following is an entry in ClinVar:

ClinVar aggregate classification (germline): Benign (1 of 4 stars; one submission).

Allele frequency attached by ClinVar (database versions not stated): TOPMed 0.04185; 1000 Genomes Project 0.02835; 1000 Genomes Project 30x 0.02967; gnomAD 0.03875 and 0.03965.
gnomAD v4.1: 5,905 of 152,028 alleles (3.9%); highest among the groups gnomAD compares: Admixed American, 9.4%; 165 homozygotes.

Submission:

GeneDx
Classification: Benign. Last evaluated: 2018-06-16. Review status: criteria provided, single submitter. Criteria: GeneDx Variant Classification (06012015). Collection method: clinical testing. Allele origin: germline. Affected: yes.
Comment: This variant is considered likely benign or benign based on one or more of the following criteria: it is a conservative change, it occurs at a poorly conserved position in the protein, it is predicted to be benign by multiple in silico algorithms, and/or has population frequency not consistent with disease.

NM_001128159.3(VPS53):c.88-154C>T

Gene: VPS53 (VPS53 subunit of GARP complex; minus strand). Cytogenetic location: 17p13.3.
Variant type: single nucleotide variant.
Coding change: c.88-154C>T on transcript NM_001128159.3 (MANE Select); 154 bases into the intron before coding-DNA position 88, C replaced by T.
Molecular consequence: intron variant.
Genome position (GRCh38, 1-based): chr17:710,767, G>A on the plus strand (C>T on the coding strand, the complement: VPS53 is on the minus strand). VCF-style: chr17-710767-G-A. GRCh37 (hg19) VCF-style: chr17-614007-G-A.
Other names: c.88-154C>T (NM_018289.4, NM_001366253.2); c.-605-154C>T (NM_001366254.2).
Identifiers: ClinVar variation 677785 (VCV000677785.1), dbSNP rs11653781, ClinGen allele CA286686794.